The following is an entry in ClinVar:

ClinVar aggregate classification (germline): Uncertain significance (1 of 4 stars; one submission).

Submission:

Labcorp Genetics (formerly Invitae), Labcorp
Classification: Uncertain significance. Last evaluated: 2025-11-21. Review status: criteria provided, single submitter. Criteria: Invitae Variant Classification Sherloc (09022015). Collection method: clinical testing. Allele origin: germline.
Comment: This sequence change replaces aspartic acid, which is acidic and polar, with glutamic acid, which is acidic and polar, at codon 61 of the RASA2 protein (p.Asp61Glu). This variant is present in population databases (no rsID available, gnomAD 0.006%). This variant has not been reported in the literature in individuals affected with RASA2-related conditions. Invitae Evidence Modeling of protein sequence and biophysical properties (such as structural, functional, and spatial information, amino acid conservation, physicochemical variation, residue mobility, and thermodynamic stability) indicates that this missense variant is expected to disrupt RASA2 protein function with a positive predictive value of 80%. In summary, the available evidence is currently insufficient to determine the role of this variant in disease. Therefore, it has been classified as a Variant of Uncertain Significance.

NM_006506.5(RASA2):c.183T>A (p.Asp61Glu)

Gene: RASA2 (RAS p21 protein activator 2; plus strand). Cytogenetic location: 3q23.
Variant type: single nucleotide variant.
Coding change: c.183T>A on transcript NM_006506.5 (MANE Select); coding-DNA position 183, T replaced by A.
Protein change: p.Asp61Glu; replaces aspartic acid 61 with glutamic acid.
Molecular consequence: missense variant.
Genome position (GRCh38, 1-based): chr3:141,512,212, T>A. VCF-style: chr3-141512212-T-A. GRCh37 (hg19) VCF-style: chr3-141231054-T-A.
Other names: c.183T>A, p.Asp61Glu (NM_001303245.3, NM_001303246.3); short protein forms D61E.
Identifiers: ClinVar variation 4810424 (VCV004810424.1).
Genomic context (GRCh38, chr3:141,512,212, plus strand): 5'-TATGCCAACAGGTGAAGCAAAAAATTTATTGCCATATCTTGGACCCCACAAAATGAGAGA[T>A]TGTTTCTGTACCATAAATTTGGACCAGGAAGAAGTTTATCGTACCCAAGTTGTGGAAAAA-3'
Protein context (NP_006497.2, residues 51-71): LPYLGPHKMR[Asp61Glu]CFCTINLDQE